The following is an entry in ClinVar:

NM_001206927.2(DNAH8):c.9182T>C (p.Ile3061Thr)

Gene: DNAH8 (dynein axonemal heavy chain 8; plus strand). Cytogenetic location: 6p21.2.
Variant type: single nucleotide variant.
Coding change: c.9182T>C on transcript NM_001206927.2 (MANE Select); coding-DNA position 9182, T replaced by C.
Protein change: p.Ile3061Thr; replaces isoleucine 3061 with threonine.
Molecular consequence: missense variant.
Genome position (GRCh38, 1-based): chr6:38,899,894, T>C. VCF-style: chr6-38899894-T-C. GRCh37 (hg19) VCF-style: chr6-38867670-T-C.
Other names: c.8531T>C, p.Ile2844Thr (NM_001371.4); short protein forms I2844T, I3061T.
Identifiers: ClinVar variation 2156801 (VCV002156801.1), dbSNP rs373054540, ClinGen allele CA3790409.

ClinVar aggregate classification (germline): Uncertain significance (1 of 4 stars; one submission).

Conditions:
Primary ciliary dyskinesia. Also called: Ciliary dyskinesia. Identifiers: Orphanet 244, MedGen C0008780, MONDO:0016575, HP:0012265.

Allele frequency attached by ClinVar (database versions not stated): gnomAD exomes 0.00001; ExAC 0.00005; ESP Exome Variant Server 0.00008.

Submission:

Labcorp Genetics (formerly Invitae), Labcorp
Classification: Uncertain significance for Primary ciliary dyskinesia. Last evaluated: 2022-08-19. Review status: criteria provided, single submitter. Criteria: Invitae Variant Classification Sherloc (09022015). Collection method: clinical testing. Allele origin: germline.
Comment: This sequence change replaces isoleucine, which is neutral and non-polar, with threonine, which is neutral and polar, at codon 3061 of the DNAH8 protein (p.Ile3061Thr). This variant is present in population databases (rs373054540, gnomAD 0.007%). This variant has not been reported in the literature in individuals affected with DNAH8-related conditions. Algorithms developed to predict the effect of missense changes on protein structure and function are either unavailable or do not agree on the potential impact of this missense change (SIFT: "Deleterious"; PolyPhen-2: "Not Available"; Align-GVGD: "Class C55"). In summary, the available evidence is currently insufficient to determine the role of this variant in disease. Therefore, it has been classified as a Variant of Uncertain Significance.